The following is an entry in ClinVar:

NM_014855.3(AP5Z1):c.1033C>T (p.Arg345Ter)

Gene: AP5Z1 (adaptor related protein complex 5 subunit zeta 1; plus strand). Cytogenetic location: 7p22.1.
Variant type: single nucleotide variant.
Coding change: c.1033C>T on transcript NM_014855.3 (MANE Select); coding-DNA position 1033, C replaced by T.
Protein change: p.Arg345Ter; replaces arginine 345 with a stop codon.
Molecular consequence: nonsense. On other transcripts: non-coding transcript variant (1).
Genome position (GRCh38, 1-based): chr7:4,785,585, C>T. VCF-style: chr7-4785585-C-T. GRCh37 (hg19) VCF-style: chr7-4825216-C-T.
Other names: NP_055670.1:p.(Arg345Ter); c.565C>T, p.Arg189Ter (NM_001364858.1); short protein forms R189*, R345*.
Identifiers: ClinVar variation 948785 (VCV000948785.15), dbSNP rs762066700, ClinGen allele CA4137573.

ClinVar aggregate classification (germline): Pathogenic/Likely pathogenic. Review status: criteria provided, multiple submitters, no conflicts (2 of 4 stars). 5 submissions from 5 submitters: Pathogenic (4); Likely pathogenic (1). Last evaluated 2025-10-18.

Conditions:
Hereditary spastic paraplegia 48. Also called: SPASTIC PARAPLEGIA 48, AUTOSOMAL RECESSIVE; Spastic paraplegia 48. Identifiers: Orphanet 306511, MedGen C3150901, MONDO:0013342, OMIM 613647.
Hereditary spastic paraplegia. Also called: Familial spastic paraparesis. Identifiers: Orphanet 685, MedGen C0037773, MONDO:0019064. Disease mechanism: loss of function.
Macular dystrophy with or without extraocular features.

Allele frequency attached by ClinVar (database versions not stated): TOPMed 0.00002; gnomAD exomes 0.00004; ExAC 0.00012.
gnomAD v4.1: 58 of 1,604,186 alleles (0.0036%); highest among the groups gnomAD compares: Non-Finnish European, 0.0046%; no homozygotes.

Submissions (5):

Labcorp Genetics (formerly Invitae), Labcorp
Classification: Pathogenic for Hereditary spastic paraplegia 48. Last evaluated: 2025-10-18. Review status: criteria provided, single submitter. Criteria: Invitae Variant Classification Sherloc (09022015). Collection method: clinical testing. Allele origin: germline.
Comment: This sequence change creates a premature translational stop signal (p.Arg345*) in the AP5Z1 gene. It is expected to result in an absent or disrupted protein product. Loss-of-function variants in AP5Z1 are known to be pathogenic (PMID: 20613862, 27606357). This variant is present in population databases (rs762066700, gnomAD 0.01%). This premature translational stop signal has been observed in individual(s) with complicated spastic paraplegia (PMID: 27606357). ClinVar contains an entry for this variant (Variation ID: 948785). For these reasons, this variant has been classified as Pathogenic.

GeneDx
Classification: Pathogenic. Last evaluated: 2025-01-14. Review status: criteria provided, single submitter. Criteria: GeneDx Variant Classification Process June 2021. Collection method: clinical testing. Allele origin: germline. Affected: yes.
Comment: Not observed at significant frequency in large population cohorts (gnomAD); Nonsense variant predicted to result in protein truncation or nonsense mediated decay in a gene for which loss of function is a known mechanism of disease; Published functional studies demonstrate absent protein expression in patient cell lines (PMID: 27606357); This variant is associated with the following publications: (PMID: 34426522, 39059408, 37077568, 27606357)

Ophthalmic Genetics Group, Institute of Molecular and Clinical Ophthalmology Basel
Classification: Likely pathogenic for Macular dystrophy with or without extraocular features. Last evaluated: 2024-12-17. Review status: criteria provided, single submitter. Criteria: ACMG Guidelines, 2015. Collection method: research. Allele origin: germline. Affected: yes. Observed: 1 variant allele.
Comment: This stopgain change is introducing a premature termination codon at amino acid position 345, and likely results in a nonsense-mediated mRNA decay. This variant has a low population frequency based on gnomAD v2.1.1 and was previously observed in individuals with complicated spastic paraplegia (reported in ClinVar). This variant was classified as Likely pathogenic based on ACMG criteria: PVS1_vstrong, PM2_mod.

Centre for Clinical Genetics and Genomic Diagnostics, Zealand University Hospital
Classification: Pathogenic. Last evaluated: 2023-06-15. Review status: criteria provided, single submitter. Criteria: ACMG Guidelines, 2015. Collection method: clinical testing. Allele origin: germline. Affected: yes.
Comment: Found in putative compoúnd heterozygous state with another AP5Z1 variant.

Genome Diagnostics Laboratory, The Hospital for Sick Children
Classification: Pathogenic for Hereditary spastic paraplegia. Last evaluated: 2021-07-09. Review status: criteria provided, single submitter. Criteria: ACMG Guidelines, 2015. Collection method: clinical testing. Allele origin: germline. Affected: yes.

Literature cited by the submitters: PubMed 20613862 (cited by Labcorp Genetics (formerly Invitae), Labcorp); PubMed 27606357 (cited by Labcorp Genetics (formerly Invitae), Labcorp); PubMed 40081374 (cited by Ophthalmic Genetics Group, Institute of Molecular and Clinical Ophthalmology Basel).